The following is an entry in ClinVar:

ClinVar aggregate classification (germline): Uncertain significance. Review status: criteria provided, multiple submitters, no conflicts (2 of 4 stars). 2 submissions from 2 submitters: Uncertain significance (2). Last evaluated 2025-12-17.

Conditions:
Hereditary cancer-predisposing syndrome. Also called: Hereditary Cancer Syndrome; Hereditary neoplastic syndrome; Neoplastic Syndromes, Hereditary; Tumor predisposition. Identifiers: Orphanet 140162, MedGen C0027672, MeSH D009386, MONDO:0015356.
POLD1-related polyposis and colorectal cancer syndrome (CRCS10). Also called: Colorectal cancer, susceptibility to, 10; Colorectal cancer 10; COLORECTAL CANCER, SUSCEPTIBILITY TO, ON CHROMOSOME 19q. Identifiers: Orphanet 220460, MedGen C2675481, MONDO:0012953, OMIM 612591.

Allele frequency attached by ClinVar (database versions not stated): TOPMed below 0.00001; gnomAD 0.00001; 1000 Genomes Project 30x 0.00016; 1000 Genomes Project 0.00020.
gnomAD v4.1: 2 of 1,614,132 alleles (0.00012%); highest among the groups gnomAD compares: African/African-American, 0.0027%; no homozygotes.

Submissions (2):

Labcorp Genetics (formerly Invitae), Labcorp
Classification: Uncertain significance for POLD1-related polyposis and colorectal cancer syndrome. Last evaluated: 2025-12-17. Review status: criteria provided, single submitter. Criteria: Invitae Variant Classification Sherloc (09022015). Collection method: clinical testing. Allele origin: germline.
Comment: This sequence change replaces threonine, which is neutral and polar, with isoleucine, which is neutral and non-polar, at codon 394 of the POLD1 protein (p.Thr394Ile). This variant is present in population databases (rs562312031, gnomAD 0.01%). This variant has not been reported in the literature in individuals affected with POLD1-related conditions. ClinVar contains an entry for this variant (Variation ID: 818514). Invitae Evidence Modeling of protein sequence and biophysical properties (such as structural, functional, and spatial information, amino acid conservation, physicochemical variation, residue mobility, and thermodynamic stability) indicates that this missense variant is not expected to disrupt POLD1 protein function with a negative predictive value of 80%. In summary, the available evidence is currently insufficient to determine the role of this variant in disease. Therefore, it has been classified as a Variant of Uncertain Significance.

Ambry Genetics
Classification: Uncertain significance for Hereditary cancer-predisposing syndrome. Last evaluated: 2025-06-01. Review status: criteria provided, single submitter. Criteria: Ambry Variant Classification Scheme 2023. Collection method: clinical testing. Allele origin: germline.
Comment: The p.T394I variant (also known as c.1181C>T), located in coding exon 9 of the POLD1 gene, results from a C to T substitution at nucleotide position 1181. The threonine at codon 394 is replaced by isoleucine, an amino acid with similar properties. This amino acid position is highly conserved in available vertebrate species. In addition, this alteration is predicted to be tolerated by in silico analysis. Since supporting evidence is limited at this time, the clinical significance of this alteration remains unclear.

NM_002691.4(POLD1):c.1181C>T (p.Thr394Ile)

Gene: POLD1 (DNA polymerase delta 1, catalytic subunit; plus strand). Cytogenetic location: 19q13.33.
Variant type: single nucleotide variant.
Coding change: c.1181C>T on transcript NM_002691.4 (MANE Select); coding-DNA position 1181, C replaced by T.
Protein change: p.Thr394Ile; replaces threonine 394 with isoleucine.
Molecular consequence: missense variant. On other transcripts: non-coding transcript variant (1).
Genome position (GRCh38, 1-based): chr19:50,403,536, C>T. VCF-style: chr19-50403536-C-T. GRCh37 (hg19) VCF-style: chr19-50906793-C-T.
Other names: c.1181C>T, p.Thr394Ile (NM_001256849.1, NM_001308632.1); short protein forms T394I.
Identifiers: ClinVar variation 818514 (VCV000818514.12), dbSNP rs562312031, ClinGen allele CA309601352.